The following is an entry in ClinVar:

ClinVar aggregate classification (germline): Uncertain significance (1 of 4 stars; one submission).

Conditions:
Familial temporal lobe epilepsy 7. Identifiers: Orphanet 101046, MedGen C4225327, MONDO:0014639, OMIM 616436.
Norman-Roberts syndrome (LIS2). Also called: Lissencephaly 2 (Norman-Roberts type). Identifiers: Orphanet 89844, MedGen C0796089, MONDO:0009760, OMIM 257320.

Submission:

Labcorp Genetics (formerly Invitae), Labcorp
Classification: Uncertain significance for Familial temporal lobe epilepsy 7; Norman-Roberts syndrome. Last evaluated: 2021-01-15. Review status: criteria provided, single submitter. Criteria: Invitae Variant Classification Sherloc (09022015). Collection method: clinical testing. Allele origin: germline.
Comment: This sequence change replaces glutamic acid with lysine at codon 2500 of the RELN protein (p.Glu2500Lys). The glutamic acid residue is moderately conserved and there is a small physicochemical difference between glutamic acid and lysine. This variant is not present in population databases (ExAC no frequency). This variant has not been reported in the literature in individuals with RELN-related disease. Algorithms developed to predict the effect of missense changes on protein structure and function (SIFT, PolyPhen-2, Align-GVGD) all suggest that this variant is likely to be tolerated, but these predictions have not been confirmed by published functional studies and their clinical significance is uncertain. In summary, the available evidence is currently insufficient to determine the role of this variant in disease. Therefore, it has been classified as a Variant of Uncertain Significance.

NM_005045.4(RELN):c.7498G>A (p.Glu2500Lys)

Gene: RELN (reelin; minus strand). Cytogenetic location: 7q22.1.
Variant type: single nucleotide variant.
Coding change: c.7498G>A on transcript NM_005045.4 (MANE Select); coding-DNA position 7498, G replaced by A.
Protein change: p.Glu2500Lys; replaces glutamic acid 2500 with lysine.
Molecular consequence: missense variant.
Genome position (GRCh38, 1-based): chr7:103,522,192, C>T on the plus strand (G>A on the coding strand, the complement: RELN is on the minus strand). VCF-style: chr7-103522192-C-T. GRCh37 (hg19) VCF-style: chr7-103162639-C-T.
Other names: c.7498G>A, p.Glu2500Lys (NM_173054.3); short protein forms E2500K.
Identifiers: ClinVar variation 475987 (VCV000475987.8), dbSNP rs1554369707, ClinGen allele CA368767425.
Genomic context (GRCh38, chr7:103,522,192, plus strand): 5'-CTTTGAGTTGGGTTGGAAGAGAGGTCTCGGGGTCATCACAGTACAGGCCACCCCACTGTT[C>T]ATCACAGCTGGGTGCAGAGCAAGAGAGAGGAAAAGTCAACATCAGACAAAGCCCCTGCAA-3'
Protein context (NP_005036.2, residues 2490-2510): RCIQGNCVCD[Glu2500Lys]QWGGLYCDDP